The following is an entry in ClinVar:

NM_004548.3(NDUFB10):c.121C>T (p.Leu41Phe)

Gene: NDUFB10 (NADH:ubiquinone oxidoreductase subunit B10; plus strand). Cytogenetic location: 16p13.3.
Variant type: single nucleotide variant.
Coding change: c.121C>T on transcript NM_004548.3 (MANE Select); coding-DNA position 121, C replaced by T.
Protein change: p.Leu41Phe; replaces leucine 41 with phenylalanine.
Molecular consequence: missense variant.
Genome position (GRCh38, 1-based): chr16:1,959,745, C>T. VCF-style: chr16-1959745-C-T. GRCh37 (hg19) VCF-style: chr16-2009746-C-T.
Other names: c.121C>T (NM_004548.2); short protein forms L41F.
Identifiers: ClinVar variation 2876528 (VCV002876528.4), dbSNP rs756321173, ClinGen allele CA7823216.

ClinVar aggregate classification (germline): Uncertain significance. Review status: criteria provided, multiple submitters, no conflicts (2 of 4 stars). 2 submissions from 2 submitters: Uncertain significance (2). Last evaluated 2024-12-23.

Allele frequency attached by ClinVar (database versions not stated): ExAC 0.00001.
gnomAD v4.1: 5 of 1,613,258 alleles (0.00031%); highest among the groups gnomAD compares: Admixed American, 0.0017%; no homozygotes.

Submissions (2):

Ambry Genetics
Classification: Uncertain significance. Last evaluated: 2024-12-23. Review status: criteria provided, single submitter. Criteria: Ambry Variant Classification Scheme 2023. Collection method: clinical testing. Allele origin: germline.

Labcorp Genetics (formerly Invitae), Labcorp
Classification: Uncertain significance. Last evaluated: 2023-08-23. Review status: criteria provided, single submitter. Criteria: Invitae Variant Classification Sherloc (09022015). Collection method: clinical testing. Allele origin: germline.
Comment: This sequence change replaces leucine, which is neutral and non-polar, with phenylalanine, which is neutral and non-polar, at codon 41 of the NDUFB10 protein (p.Leu41Phe). In summary, the available evidence is currently insufficient to determine the role of this variant in disease. Therefore, it has been classified as a Variant of Uncertain Significance. An algorithm developed to predict the effect of missense changes on protein structure and function (PolyPhen-2) suggests that this variant is likely to be disruptive. This variant has not been reported in the literature in individuals affected with NDUFB10-related conditions. This variant is present in population databases (rs756321173, gnomAD 0.003%).